The following is an entry in ClinVar:

NM_001848.3(COL6A1):c.1459G>A (p.Glu487Lys)

Gene: COL6A1 (collagen type VI alpha 1 chain; plus strand). Cytogenetic location: 21q22.3.
Variant type: single nucleotide variant.
Coding change: c.1459G>A on transcript NM_001848.3 (MANE Select); coding-DNA position 1459, G replaced by A.
Protein change: p.Glu487Lys; replaces glutamic acid 487 with lysine.
Molecular consequence: missense variant.
Genome position (GRCh38, 1-based): chr21:45,997,481, G>A. VCF-style: chr21-45997481-G-A. GRCh37 (hg19) VCF-style: chr21-47417395-G-A.
Other names: short protein forms E487K.
Identifiers: ClinVar variation 566851 (VCV000566851.10), dbSNP rs779320527, ClinGen allele CA10070310.

ClinVar aggregate classification (germline): Uncertain significance. Review status: criteria provided, multiple submitters, no conflicts (2 of 4 stars). 3 submissions from 3 submitters: Uncertain significance (3). Last evaluated 2025-05-13.

Conditions:
Inborn genetic diseases. Identifiers: MedGen C0950123, MeSH D030342.
Bethlem myopathy 1A. Also called: Bethlem myopathy 1; MYOPATHY, BENIGN CONGENITAL, WITH CONTRACTURES; Bethlem Muscular Dystrophy. Identifiers: Orphanet 610, MedGen CN029274, MONDO:0024530, OMIM 158810.

Allele frequency attached by ClinVar (database versions not stated): ExAC 0.00001; gnomAD 0.00001 and 0.00002; gnomAD exomes 0.00001; TOPMed 0.00003.
gnomAD v4.1: 16 of 1,609,494 alleles (0.00099%); highest among the groups gnomAD compares: Middle Eastern, 0.016%; no homozygotes.

Submissions (3):

Ambry Genetics
Classification: Uncertain significance for Inborn genetic diseases. Last evaluated: 2025-05-13. Review status: criteria provided, single submitter. Criteria: Ambry Variant Classification Scheme 2023. Collection method: clinical testing. Allele origin: germline.

Labcorp Genetics (formerly Invitae), Labcorp
Classification: Uncertain significance for Bethlem myopathy 1A. Last evaluated: 2025-01-29. Review status: criteria provided, single submitter. Criteria: Invitae Variant Classification Sherloc (09022015). Collection method: clinical testing. Allele origin: germline.
Comment: This sequence change replaces glutamic acid, which is acidic and polar, with lysine, which is basic and polar, at codon 487 of the COL6A1 protein (p.Glu487Lys). This variant is present in population databases (rs779320527, gnomAD 0.008%). This variant has not been reported in the literature in individuals affected with COL6A1-related conditions. ClinVar contains an entry for this variant (Variation ID: 566851). An algorithm developed to predict the effect of missense changes on protein structure and function (PolyPhen-2) suggests that this variant is likely to be disruptive. In summary, the available evidence is currently insufficient to determine the role of this variant in disease. Therefore, it has been classified as a Variant of Uncertain Significance.

GeneDx
Classification: Uncertain significance. Last evaluated: 2022-09-20. Review status: criteria provided, single submitter. Criteria: GeneDx Variant Classification Process June 2021. Collection method: clinical testing. Allele origin: germline. Affected: yes.
Comment: In silico analysis supports that this missense variant does not alter protein structure/function; Has not been previously published as pathogenic or benign to our knowledge